The following is an entry in ClinVar:

NM_152393.4(KLHL40):c.1499G>A (p.Arg500His)

Gene: KLHL40 (kelch like family member 40; plus strand). Cytogenetic location: 3p22.1.
Variant type: single nucleotide variant.
Coding change: c.1499G>A on transcript NM_152393.4 (MANE Select); coding-DNA position 1499, G replaced by A.
Protein change: p.Arg500His; replaces arginine 500 with histidine.
Molecular consequence: missense variant.
Genome position (GRCh38, 1-based): chr3:42,688,946, G>A. VCF-style: chr3-42688946-G-A. GRCh37 (hg19) VCF-style: chr3-42730438-G-A.
Other names: short protein forms R500H.
Identifiers: ClinVar variation 3698285 (VCV003698285.2).

ClinVar aggregate classification (germline): Uncertain significance (1 of 4 stars; one submission).

Conditions:
Nemaline myopathy 8 (NEM8). Also called: Nemaline myopathy 8, autosomal recessive. Identifiers: Orphanet 171430, MedGen C3809209, MONDO:0014138, OMIM 615348.

gnomAD v4.1: 6 of 1,614,138 alleles (0.00037%); highest among the groups gnomAD compares: East Asian, 0.0022%; no homozygotes.

Submission:

Labcorp Genetics (formerly Invitae), Labcorp
Classification: Uncertain significance for Nemaline myopathy 8. Last evaluated: 2024-02-29. Review status: criteria provided, single submitter. Criteria: Invitae Variant Classification Sherloc (09022015). Collection method: clinical testing. Allele origin: germline.
Comment: This sequence change replaces arginine, which is basic and polar, with histidine, which is basic and polar, at codon 500 of the KLHL40 protein (p.Arg500His). This variant is not present in population databases (gnomAD no frequency). This variant has not been reported in the literature in individuals affected with KLHL40-related conditions. Advanced modeling of protein sequence and biophysical properties (such as structural, functional, and spatial information, amino acid conservation, physicochemical variation, residue mobility, and thermodynamic stability) has been performed at Invitae for this missense variant, however the output from this modeling did not meet the statistical confidence thresholds required to predict the impact of this variant on KLHL40 protein function. This variant disrupts the p.Arg500 amino acid residue in KLHL40. Other variant(s) that disrupt this residue have been determined to be pathogenic (PMID: 27528495). This suggests that this residue is clinically significant, and that variants that disrupt this residue are likely to be disease-causing. In summary, the available evidence is currently insufficient to determine the role of this variant in disease. Therefore, it has been classified as a Variant of Uncertain Significance.

Literature cited by the submitters: PubMed 27528495.